The following is an entry in ClinVar:

NM_021008.4(DEAF1):c.1186G>A (p.Gly396Ser)

Gene: DEAF1 (DEAF1 transcription factor; minus strand). Cytogenetic location: 11p15.5.
Variant type: single nucleotide variant.
Coding change: c.1186G>A on transcript NM_021008.4 (MANE Select); coding-DNA position 1186, G replaced by A.
Protein change: p.Gly396Ser; replaces glycine 396 with serine.
Molecular consequence: missense variant.
Genome position (GRCh38, 1-based): chr11:678,763, C>T on the plus strand (G>A on the coding strand, the complement: DEAF1 is on the minus strand). VCF-style: chr11-678763-C-T. GRCh37 (hg19) VCF-style: chr11-678763-C-T.
Other names: c.919G>A, p.Gly307Ser (NM_001293634.2); c.460G>A, p.Gly154Ser (NM_001367390.1); short protein forms G396S, G307S, G154S.
Identifiers: ClinVar variation 585769 (VCV000585769.14), dbSNP rs138447102, ClinGen allele CA5786284.

ClinVar aggregate classification (germline): Conflicting classifications of pathogenicity. Review status: criteria provided, conflicting classifications (1 of 4 stars). 5 submissions from 5 submitters: Uncertain significance (2); Benign (1); Likely benign (1). 1 of the submissions does not count toward it. Last evaluated 2026-01-15.

Conditions:
DEAF1-related disorder.
Intellectual disability-epilepsy-extrapyramidal syndrome (NEDHELS). Also called: Dyskinesia, seizures, and intellectual developmental disorder. Identifiers: Orphanet 468620, MedGen C4310683, MONDO:0014952, OMIM 617171.
Inborn genetic diseases. Identifiers: MedGen C0950123, MeSH D030342.

Allele frequency attached by ClinVar (database versions not stated): TOPMed 0.00080; ExAC 0.00068; gnomAD exomes 0.00073 and 0.00122; gnomAD 0.00076 and 0.00090; ESP Exome Variant Server 0.00092.
gnomAD v4.1: 1,885 of 1,614,020 alleles (0.12%); highest among the groups gnomAD compares: Non-Finnish European, 0.15%; 1 homozygote.

Submissions (5):

Labcorp Genetics (formerly Invitae), Labcorp
Classification: Likely benign. Last evaluated: 2026-01-15. Review status: criteria provided, single submitter. Criteria: Invitae Variant Classification Sherloc (09022015). Collection method: clinical testing. Allele origin: germline.

Ambry Genetics
Classification: Benign for Inborn genetic diseases. Last evaluated: 2022-02-11. Review status: criteria provided, single submitter. Criteria: Ambry Variant Classification Scheme 2023. Collection method: clinical testing. Allele origin: germline.

New York Genome Center
Classification: Uncertain significance for Intellectual disability-epilepsy-extrapyramidal syndrome. Last evaluated: 2020-06-18. Review status: criteria provided, single submitter. Criteria: NYGC Assertion Criteria 2020. Collection method: clinical testing. Allele origin: germline. Observed: 1 heterozygote. Study: CSER-NYCKidSeq.

Athena Diagnostics
Classification: Uncertain significance. Last evaluated: 2017-09-11. Review status: criteria provided, single submitter. Criteria: Athena Diagnostics Criteria. Collection method: clinical testing. Allele origin: germline.

PreventionGenetics, part of Exact Sciences
Classification: Likely benign for DEAF1-related condition. Last evaluated: 2020-08-17. Review status: no assertion criteria provided. Collection method: clinical testing. Allele origin: germline. Not counted in ClinVar's aggregate classification.
Comment: This variant is classified as likely benign based on ACMG/AMP sequence variant interpretation guidelines (Richards et al. 2015 PMID: 25741868, with internal and published modifications).